The following is an entry in ClinVar:

ClinVar aggregate classification (germline): Uncertain significance (1 of 4 stars; one submission).

Submission:

GeneDx
Classification: Uncertain significance. Last evaluated: 2023-11-27. Review status: criteria provided, single submitter. Criteria: GeneDx Variant Classification Process June 2021. Collection method: clinical testing. Allele origin: germline. Affected: yes.
Comment: Not observed at significant frequency in large population cohorts (gnomAD); In silico analysis supports that this missense variant has a deleterious effect on protein structure/function; Has not been previously published as pathogenic or benign to our knowledge

NM_015015.3(KDM4B):c.803T>C (p.Phe268Ser)

Gene: KDM4B (lysine demethylase 4B; plus strand). Cytogenetic location: 19p13.3.
Variant type: single nucleotide variant.
Coding change: c.803T>C on transcript NM_015015.3 (MANE Select); coding-DNA position 803, T replaced by C.
Protein change: p.Phe268Ser; replaces phenylalanine 268 with serine.
Molecular consequence: missense variant.
Genome position (GRCh38, 1-based): chr19:5,082,389, T>C. VCF-style: chr19-5082389-T-C. GRCh37 (hg19) VCF-style: chr19-5082400-T-C.
Other names: c.803T>C, p.Phe268Ser (NM_001370093.1, NM_001370094.1); short protein forms F268S.
Identifiers: ClinVar variation 1327270 (VCV001327270.3), dbSNP rs2145871774, ClinGen allele CA403494511.